The following is an entry in ClinVar:

NM_001127392.3(MYRF):c.971C>T (p.Pro324Leu)

Gene: MYRF (myelin regulatory factor; plus strand). Cytogenetic location: 11q12.2.
Variant type: single nucleotide variant.
Coding change: c.971C>T on transcript NM_001127392.3 (MANE Select); coding-DNA position 971, C replaced by T.
Protein change: p.Pro324Leu; replaces proline 324 with leucine.
Molecular consequence: missense variant.
Genome position (GRCh38, 1-based): chr11:61,771,730, C>T. VCF-style: chr11-61771730-C-T. GRCh37 (hg19) VCF-style: chr11-61539202-C-T.
Other names: c.944C>T, p.Pro315Leu (NM_013279.4); c.971C>T (NM_001127392.2); short protein forms P315L, P324L.
Identifiers: ClinVar variation 4911830 (VCV004911830.2).
Genomic context (GRCh38, chr11:61,771,730, plus strand): 5'-CCCCGGGCCCTGGTTCCTTGCCTCTCAGCATTGCCCGTGTCCAGACACCGCCTTGGCACC[C>T]GCCAGGTGCCCCCTCCCCAGGTACATGGCTGGCCAACTCTTCAAGGTGGGGTGTGGGACC-3'
Protein context (NP_001120864.1, residues 314-334): IARVQTPPWH[Pro324Leu]PGAPSPGLLQ

ClinVar aggregate classification (germline): Likely benign. Review status: criteria provided, multiple submitters, no conflicts (2 of 4 stars). 2 submissions from 2 submitters: Likely benign (2). Last evaluated 2026-03-01.

Conditions:
MYRF-related disorder. Also called: MYRF-related disorders; MYRF-related condition.

gnomAD v4.1: 569 of 1,612,016 alleles (0.035%); highest among the groups gnomAD compares: Non-Finnish European, 0.046%; no homozygotes.

Submissions (2):

PreventionGenetics, part of Exact Sciences
Classification: Likely benign for MYRF-related condition. Last evaluated: 2026-03-01. Review status: criteria provided, single submitter. Criteria: ACMG Guidelines, 2015. Collection method: clinical testing. Allele origin: germline.
Comment: This variant is classified as likely benign based on ACMG/AMP sequence variant interpretation guidelines (Richards et al. 2015 PMID: 25741868, with internal and published modifications).

Blueprint Genetics
Classification: Likely benign. Last evaluated: 2024-07-12. Review status: criteria provided, single submitter. Criteria: ACMG Guidelines, 2015. Collection method: clinical testing. Allele origin: germline.